The following is an entry in ClinVar:

NM_003079.5(SMARCE1):c.1082C>T (p.Thr361Met)

Gene: SMARCE1 (SWI/SNF related BAF chromatin remodeling complex subunit E1; minus strand). Cytogenetic location: 17q21.2.
Variant type: single nucleotide variant.
Coding change: c.1082C>T on transcript NM_003079.5 (MANE Select); coding-DNA position 1082, C replaced by T.
Protein change: p.Thr361Met; replaces threonine 361 with methionine.
Molecular consequence: missense variant.
Genome position (GRCh38, 1-based): chr17:40,628,939, G>A on the plus strand (C>T on the coding strand, the complement: SMARCE1 is on the minus strand). VCF-style: chr17-40628939-G-A. GRCh37 (hg19) VCF-style: chr17-38785191-G-A.
Other names: short protein forms T361M.
Identifiers: ClinVar variation 463412 (VCV000463412.12), dbSNP rs766200637, ClinGen allele CA8545068.
Genomic context (GRCh38, chr17:40,628,939, plus strand): 5'-CCTTCCTCTGCCATACTGTCGACCCCCTCCTGCCCACTCTCCTTGTCCTCAGGAGTAGAC[G>A]TGCCTTCTTCACCATTCTGTTGGCTCTCTGTTGTTTCTTCAAGGTGTGTCTCCTCTGTAA-3'
Protein context (NP_003070.3, residues 351-371): TESQQNGEEG[Thr361Met]STPEDKESGQ

ClinVar aggregate classification (germline): Conflicting classifications of pathogenicity. Review status: criteria provided, conflicting classifications (1 of 4 stars). 4 submissions from 4 submitters: Uncertain significance (3); Likely benign (1). Last evaluated 2025-12-20.

Conditions:
Familial meningioma. Also called: Meningioma, familial, susceptibility to. Identifiers: Orphanet 263662, MedGen C3551915, MONDO:0011789, OMIM 607174.
Hereditary cancer-predisposing syndrome. Also called: Neoplastic Syndromes, Hereditary; Hereditary Cancer Syndrome; Hereditary neoplastic syndrome; Tumor predisposition. Identifiers: Orphanet 140162, MedGen C0027672, MeSH D009386, MONDO:0015356.

Allele frequency attached by ClinVar (database versions not stated): gnomAD exomes below 0.00001 and 0.00001; ExAC 0.00001.
gnomAD v4.1: 3 of 1,613,740 alleles (0.00019%); highest among the groups gnomAD compares: South Asian, 0.0022%; no homozygotes.

Submissions (4):

Labcorp Genetics (formerly Invitae), Labcorp
Classification: Uncertain significance for Familial meningioma. Last evaluated: 2025-12-20. Review status: criteria provided, single submitter. Criteria: Invitae Variant Classification Sherloc (09022015). Collection method: clinical testing. Allele origin: germline.
Comment: This sequence change replaces threonine, which is neutral and polar, with methionine, which is neutral and non-polar, at codon 361 of the SMARCE1 protein (p.Thr361Met). This variant is present in population databases (rs766200637, gnomAD 0.003%). This variant has not been reported in the literature in individuals affected with SMARCE1-related conditions. ClinVar contains an entry for this variant (Variation ID: 463412). Invitae Evidence Modeling of protein sequence and biophysical properties (such as structural, functional, and spatial information, amino acid conservation, physicochemical variation, residue mobility, and thermodynamic stability) indicates that this missense variant is not expected to disrupt SMARCE1 protein function with a negative predictive value of 80%. In summary, the available evidence is currently insufficient to determine the role of this variant in disease. Therefore, it has been classified as a Variant of Uncertain Significance.

Ambry Genetics
Classification: Likely benign for Hereditary cancer-predisposing syndrome. Last evaluated: 2025-07-09. Review status: criteria provided, single submitter. Criteria: Ambry Variant Classification Scheme 2023. Collection method: clinical testing. Allele origin: germline.

GeneDx
Classification: Uncertain significance. Last evaluated: 2024-02-21. Review status: criteria provided, single submitter. Criteria: GeneDx Variant Classification Process June 2021. Collection method: clinical testing. Allele origin: germline. Affected: yes.
Comment: In silico analysis supports that this missense variant does not alter protein structure/function; Has not been previously published as pathogenic or benign to our knowledge; This variant is associated with the following publications: (PMID: 19245665)

Baylor Genetics
Classification: Uncertain significance for Familial meningioma. Last evaluated: 2023-10-20. Review status: criteria provided, single submitter. Criteria: ACMG Guidelines, 2015. Collection method: clinical testing. Allele origin: unknown.